The following is an entry in ClinVar:

ClinVar aggregate classification (germline): Uncertain significance (1 of 4 stars; one submission).

Allele frequency attached by ClinVar (database versions not stated): TOPMed 0.00002.
gnomAD v4.1: 1 of 1,614,116 alleles (0.000062%); highest among the groups gnomAD compares: Non-Finnish European, 0.000085%; no homozygotes.

Submission:

Labcorp Genetics (formerly Invitae), Labcorp
Classification: Uncertain significance. Last evaluated: 2025-01-23. Review status: criteria provided, single submitter. Criteria: Invitae Variant Classification Sherloc (09022015). Collection method: clinical testing. Allele origin: germline.
Comment: This sequence change replaces alanine, which is neutral and non-polar, with valine, which is neutral and non-polar, at codon 442 of the TNFAIP3 protein (p.Ala442Val). This variant is not present in population databases (gnomAD no frequency). This variant has not been reported in the literature in individuals affected with TNFAIP3-related conditions. ClinVar contains an entry for this variant (Variation ID: 3002964). Invitae Evidence Modeling of protein sequence and biophysical properties (such as structural, functional, and spatial information, amino acid conservation, physicochemical variation, residue mobility, and thermodynamic stability) indicates that this missense variant is not expected to disrupt TNFAIP3 protein function with a negative predictive value of 80%. In summary, the available evidence is currently insufficient to determine the role of this variant in disease. Therefore, it has been classified as a Variant of Uncertain Significance.

NM_001270508.2(TNFAIP3):c.1325C>T (p.Ala442Val)

Gene: TNFAIP3 (TNF alpha induced protein 3; plus strand). Cytogenetic location: 6q23.3.
Variant type: single nucleotide variant.
Coding change: c.1325C>T on transcript NM_001270508.2 (MANE Select); coding-DNA position 1325, C replaced by T.
Protein change: p.Ala442Val; replaces alanine 442 with valine.
Molecular consequence: missense variant.
Genome position (GRCh38, 1-based): chr6:137,878,770, C>T. VCF-style: chr6-137878770-C-T. GRCh37 (hg19) VCF-style: chr6-138199907-C-T.
Other names: c.1325C>T, p.Ala442Val (NM_001270507.2, NM_006290.4); short protein forms A442V.
Identifiers: ClinVar variation 3002964 (VCV003002964.3), dbSNP rs894381079, ClinGen allele CA148263212.
Genomic context (GRCh38, chr6:137,878,770, plus strand): 5'-ACTCCAAGCCGGGCCCTGAGGGGCTCCCTGGCATGGCGCTCGGGGCCTCTCGGGGAGAAG[C>T]CTATGAGCCCTTGGCGTGGAACCCTGAGGAGTCCACTGGGGGGCCTCATTCGGCCCCACC-3'
Protein context (NP_001257437.1, residues 432-452): GMALGASRGE[Ala442Val]YEPLAWNPEE